The following is an entry in ClinVar:

NM_007186.6(CEP250):c.5079A>T (p.Arg1693Ser)

Gene: CEP250 (centrosomal protein 250; plus strand). Cytogenetic location: 20q11.22.
Variant type: single nucleotide variant.
Coding change: c.5079A>T on transcript NM_007186.6 (MANE Select); coding-DNA position 5079, A replaced by T.
Protein change: p.Arg1693Ser; replaces arginine 1693 with serine.
Molecular consequence: missense variant.
Genome position (GRCh38, 1-based): chr20:35,503,448, A>T. VCF-style: chr20-35503448-A-T. GRCh37 (hg19) VCF-style: chr20-34091276-A-T.
Other names: c.3183A>T, p.Arg1061Ser (NM_001318219.1); short protein forms R1061S, R1693S.
Identifiers: ClinVar variation 3604230 (VCV003604230.1).
Genomic context (GRCh38, chr20:35,503,448, plus strand): 5'-GAGGACCCGGCAGACCAAGATCCTGGAGGAGGACCTGGAACAGATCAAGCTGTCCTTGAG[A>T]GAGCGAGGCCGGGAGCTGACCACTCAGAGGCAGCTGATGCAGGAACGGGCAGAGGAAGGG-3'
Protein context (NP_009117.2, residues 1683-1703): EDLEQIKLSL[Arg1693Ser]ERGRELTTQR

ClinVar aggregate classification (germline): Uncertain significance (1 of 4 stars; one submission).

gnomAD v4.1: 6 of 1,614,146 alleles (0.00037%); highest among the groups gnomAD compares: Middle Eastern, 0.033%; no homozygotes.

Submission:

Labcorp Genetics (formerly Invitae), Labcorp
Classification: Uncertain significance. Last evaluated: 2024-08-27. Review status: criteria provided, single submitter. Criteria: Invitae Variant Classification Sherloc (09022015). Collection method: clinical testing. Allele origin: germline.
Comment: This sequence change replaces arginine, which is basic and polar, with serine, which is neutral and polar, at codon 1693 of the CEP250 protein (p.Arg1693Ser). This variant is present in population databases (rs548780711, gnomAD 0.003%). This variant has not been reported in the literature in individuals affected with CEP250-related conditions. An algorithm developed to predict the effect of missense changes on protein structure and function (PolyPhen-2) suggests that this variant is likely to be disruptive. In summary, the available evidence is currently insufficient to determine the role of this variant in disease. Therefore, it has been classified as a Variant of Uncertain Significance.